The following is an entry in ClinVar:

NM_022051.3(EGLN1):c.569C>T (p.Ala190Val)

Gene: EGLN1 (egl-9 family hypoxia inducible factor 1; minus strand). Cytogenetic location: 1q42.2.
Variant type: single nucleotide variant.
Coding change: c.569C>T on transcript NM_022051.3 (MANE Select); coding-DNA position 569, C replaced by T.
Protein change: p.Ala190Val; replaces alanine 190 with valine.
Molecular consequence: missense variant.
Genome position (GRCh38, 1-based): chr1:231,421,320, G>A on the plus strand (C>T on the coding strand, the complement: EGLN1 is on the minus strand). VCF-style: chr1-231421320-G-A. GRCh37 (hg19) VCF-style: chr1-231557066-G-A.
Other names: c.569C>T, p.Ala190Val (NM_001377260.1, NM_001377261.1); short protein forms A190V.
Identifiers: ClinVar variation 1749131 (VCV001749131.10), dbSNP rs769931960, ClinGen allele CA1453138.

ClinVar aggregate classification (germline): Likely benign. Review status: criteria provided, multiple submitters, no conflicts (2 of 4 stars). 2 submissions from 2 submitters: Likely benign (2). Last evaluated 2025-07-01.

Allele frequency attached by ClinVar (database versions not stated): ExAC 0.00003; gnomAD 0.00003; TOPMed 0.00003; gnomAD exomes 0.00004.
gnomAD v4.1: 66 of 1,612,242 alleles (0.0041%); highest among the groups gnomAD compares: Non-Finnish European, 0.0053%; no homozygotes.

Submissions (2):

CeGaT Center for Human Genetics Tuebingen
Classification: Likely benign. Last evaluated: 2025-07-01. Review status: criteria provided, single submitter. Criteria: CeGaT Center For Human Genetics Tuebingen Variant Classification Criteria Version 2. Collection method: clinical testing. Allele origin: germline. Affected: yes. Observed: 1 variant allele.
Comment: EGLN1: BS2

Ambry Genetics
Classification: Likely benign. Last evaluated: 2021-07-31. Review status: criteria provided, single submitter. Criteria: Ambry Variant Classification Scheme 2023. Collection method: clinical testing. Allele origin: germline.